The following is an entry in ClinVar:

NM_024741.3(ZNF408):c.1951C>T (p.Leu651Phe)

Gene: ZNF408 (zinc finger protein 408; plus strand). Cytogenetic location: 11p11.2.
Variant type: single nucleotide variant.
Coding change: c.1951C>T on transcript NM_024741.3 (MANE Select); coding-DNA position 1951, C replaced by T.
Protein change: p.Leu651Phe; replaces leucine 651 with phenylalanine.
Molecular consequence: missense variant.
Genome position (GRCh38, 1-based): chr11:46,705,651, C>T. VCF-style: chr11-46705651-C-T. GRCh37 (hg19) VCF-style: chr11-46727201-C-T.
Other names: c.1927C>T, p.Leu643Phe (NM_001184751.2); short protein forms L643F, L651F.
Identifiers: ClinVar variation 3687820 (VCV003687820.2).

ClinVar aggregate classification (germline): Uncertain significance (1 of 4 stars; one submission).

Submission:

Labcorp Genetics (formerly Invitae), Labcorp
Classification: Uncertain significance. Last evaluated: 2025-03-17. Review status: criteria provided, single submitter. Criteria: Invitae Variant Classification Sherloc (09022015). Collection method: clinical testing. Allele origin: germline.
Comment: This sequence change replaces leucine, which is neutral and non-polar, with phenylalanine, which is neutral and non-polar, at codon 651 of the ZNF408 protein (p.Leu651Phe). This variant is present in population databases (rs768261855, gnomAD 0.01%). This variant has not been reported in the literature in individuals affected with ZNF408-related conditions. An algorithm developed to predict the effect of missense changes on protein structure and function (PolyPhen-2) suggests that this variant is likely to be tolerated. In summary, the available evidence is currently insufficient to determine the role of this variant in disease. Therefore, it has been classified as a Variant of Uncertain Significance.